The following is an entry in ClinVar:

NM_007259.5(VPS45):c.1626-14A>C

Gene: VPS45 (vacuolar protein sorting 45 homolog; plus strand). Cytogenetic location: 1q21.2.
Variant type: single nucleotide variant.
Coding change: c.1626-14A>C on transcript NM_007259.5 (MANE Select); 14 bases into the intron before coding-DNA position 1626, A replaced by C.
Molecular consequence: intron variant.
Genome position (GRCh38, 1-based): chr1:150,144,695, A>C. VCF-style: chr1-150144695-A-C. GRCh37 (hg19) VCF-style: chr1-150116873-A-C.
Other names: c.1405-14A>C (NM_001279353.2); c.1518-14A>C (NM_001279354.2).
Identifiers: ClinVar variation 1164908 (VCV001164908.12), dbSNP rs201279066, ClinGen allele CA1073473.

ClinVar aggregate classification (germline): Benign/Likely benign. Review status: criteria provided, multiple submitters, no conflicts (2 of 4 stars). 4 submissions from 4 submitters: Benign (2); Likely benign (2). Last evaluated 2026-07-01.

Conditions:
Congenital neutropenia-myelofibrosis-nephromegaly syndrome. Also called: Severe congenital neutropenia 5, autosomal recessive. Identifiers: Orphanet 369852, MedGen C3809031, MONDO:0014118, OMIM 615285.

Allele frequency attached by ClinVar (database versions not stated): 1000 Genomes Project 30x 0.00016; 1000 Genomes Project 0.00020; gnomAD exomes 0.00039 and 0.00057; ExAC 0.00056; ESP Exome Variant Server 0.00069; gnomAD 0.00070 and 0.00076; TOPMed 0.00076.
gnomAD v4.1: 720 of 1,601,210 alleles (0.045%); highest among the groups gnomAD compares: Middle Eastern, 0.49%; 5 homozygotes.

Submissions (4):

CeGaT Center for Human Genetics Tuebingen
Classification: Likely benign. Last evaluated: 2026-07-01. Review status: criteria provided, single submitter. Criteria: CeGaT Center For Human Genetics Tuebingen Variant Classification Criteria Version 2. Collection method: clinical testing. Allele origin: germline. Affected: yes. Observed: 1 variant allele.
Comment: VPS45: BS1

Labcorp Genetics (formerly Invitae), Labcorp
Classification: Benign for Congenital neutropenia-myelofibrosis-nephromegaly syndrome. Last evaluated: 2026-01-28. Review status: criteria provided, single submitter. Criteria: Invitae Variant Classification Sherloc (09022015). Collection method: clinical testing. Allele origin: germline.

Blueprint Genetics
Classification: Likely benign. Last evaluated: 2024-11-19. Review status: criteria provided, single submitter. Criteria: ACMG Guidelines, 2015. Collection method: clinical testing. Allele origin: germline.

Breakthrough Genomics
Classification: Benign. Review status: criteria provided, single submitter. Criteria: ACMG Guidelines, 2015. Collection method: not provided. Allele origin: germline. Inheritance: Autosomal recessive inheritance. Affected: yes.